The following is an entry in ClinVar:

ClinVar aggregate classification (germline): Uncertain significance (1 of 4 stars; one submission).

Conditions:
Familial cold autoinflammatory syndrome 3 (FCAS3). Also called: FAMILIAL ATYPICAL COLD URTICARIA; ANTIBODY DEFICIENCY AND IMMUNE DYSREGULATION, PLCG2-ASSOCIATED. Identifiers: Orphanet 300359, MedGen C3280914, MONDO:0013766, OMIM 614468.

Allele frequency attached by ClinVar (database versions not stated): gnomAD exomes below 0.00001; TOPMed below 0.00001; ExAC 0.00001.

Submission:

Labcorp Genetics (formerly Invitae), Labcorp
Classification: Uncertain significance for Familial cold autoinflammatory syndrome 3. Last evaluated: 2023-12-09. Review status: criteria provided, single submitter. Criteria: Invitae Variant Classification Sherloc (09022015). Collection method: clinical testing. Allele origin: germline.
Comment: This sequence change replaces isoleucine, which is neutral and non-polar, with valine, which is neutral and non-polar, at codon 967 of the PLCG2 protein (p.Ile967Val). This variant is present in population databases (rs775483165, gnomAD 0.0009%). This variant has not been reported in the literature in individuals affected with PLCG2-related conditions. ClinVar contains an entry for this variant (Variation ID: 2068918). Algorithms developed to predict the effect of missense changes on protein structure and function output the following: SIFT: "Not Available"; PolyPhen-2: "Benign"; Align-GVGD: "Not Available". The valine amino acid residue is found in multiple mammalian species, which suggests that this missense change does not adversely affect protein function. In summary, the available evidence is currently insufficient to determine the role of this variant in disease. Therefore, it has been classified as a Variant of Uncertain Significance.

NM_002661.5(PLCG2):c.2899A>G (p.Ile967Val)

Gene: PLCG2 (phospholipase C gamma 2; plus strand). Cytogenetic location: 16q23.3.
Variant type: single nucleotide variant.
Coding change: c.2899A>G on transcript NM_002661.5 (MANE Select); coding-DNA position 2899, A replaced by G.
Protein change: p.Ile967Val; replaces isoleucine 967 with valine.
Molecular consequence: missense variant.
Genome position (GRCh38, 1-based): chr16:81,936,225, A>G. VCF-style: chr16-81936225-A-G. GRCh37 (hg19) VCF-style: chr16-81969830-A-G.
Other names: short protein forms I967V.
Identifiers: ClinVar variation 2068918 (VCV002068918.4), dbSNP rs775483165, ClinGen allele CA8194472.